The following is an entry in ClinVar:

ClinVar aggregate classification (germline): Uncertain significance. Review status: criteria provided, multiple submitters, no conflicts (2 of 4 stars). 6 submissions from 6 submitters: Uncertain significance (6). Last evaluated 2026-01-21.

Conditions:
Hereditary cancer-predisposing syndrome. Also called: Neoplastic Syndromes, Hereditary; Hereditary Cancer Syndrome; Tumor predisposition; Hereditary neoplastic syndrome. Identifiers: Orphanet 140162, MedGen C0027672, MeSH D009386, MONDO:0015356.
Pheochromocytoma. Also called: MAX-Related Hereditary Paraganglioma-Pheochromocytoma Syndrome. Identifiers: Orphanet 29072, MedGen C0031511, MONDO:0008233, OMIM 171300, HP:0002666.
Familial medullary thyroid carcinoma (MTC). Also called: Thyroid cancer, familial medullary; MTC, familial; Familial Medullary Thyroid Carcinoma (FMTC). Identifiers: Orphanet 653, Orphanet 99361, MedGen C1833921, MONDO:0007958, OMIM 155240.
Multiple endocrine neoplasia type 2B. Also called: Multiple endocrine neoplasia, type 3; MULTIPLE ENDOCRINE NEOPLASIA, TYPE IIB; MUCOSAL NEUROMA SYNDROME; MEN 2B; Multiple Endocrine Neoplasia Type 2B (MEN2B); MEN IIB. Identifiers: Orphanet 247709, Orphanet 653, MedGen C0025269, MeSH D018814, MONDO:0008082, OMIM 162300.
Multiple endocrine neoplasia type 2A. Also called: MULTIPLE ENDOCRINE NEOPLASIA, TYPE IIA; PTC SYNDROME; SIPPLE SYNDROME; MEN 2A; MEN-2A syndrome; Pheochromocytoma and amyloid producing medullary thyroid carcinoma. Identifiers: Orphanet 247698, Orphanet 653, MedGen C0025268, MeSH D018813, MONDO:0008234, OMIM 171400.
Hirschsprung disease, susceptibility to, 1 (HSCR1). Also called: RET-Related Hirschsprung Disease. Identifiers: Orphanet 388, MedGen C3888239, MONDO:0007723, OMIM 142623.
Multiple endocrine neoplasia, type 2 (MEN2). Identifiers: Orphanet 653, MedGen C4048306, MONDO:0019003. Disease mechanism: gain of function.

Allele frequency attached by ClinVar (database versions not stated): TOPMed 0.00001.

Submissions (6):

Labcorp Genetics (formerly Invitae), Labcorp
Classification: Uncertain significance for Multiple endocrine neoplasia, type 2. Last evaluated: 2026-01-21. Review status: criteria provided, single submitter. Criteria: Invitae Variant Classification Sherloc (09022015). Collection method: clinical testing. Allele origin: germline.
Comment: This sequence change replaces arginine, which is basic and polar, with glycine, which is neutral and non-polar, at codon 525 of the RET protein (p.Arg525Gly). This variant is present in population databases (rs545625150, gnomAD 0.001%). This variant has not been reported in the literature in individuals affected with RET-related conditions. ClinVar contains an entry for this variant (Variation ID: 571739). An algorithm developed to predict the effect of missense changes on protein structure and function (PolyPhen-2) suggests that this variant is likely to be tolerated. In summary, the available evidence is currently insufficient to determine the role of this variant in disease. Therefore, it has been classified as a Variant of Uncertain Significance.

Cambridge Genomics Laboratory, East Genomic Laboratory Hub, NHS Genomic Medicine Service
Classification: Uncertain significance for Multiple endocrine neoplasia type 2. Last evaluated: 2025-01-16. Review status: criteria provided, single submitter. Criteria: ACGS Best Practice Guidelines for Variant Classification in Rare Disease 2020. Collection method: clinical testing. Allele origin: germline. Affected: yes.
Comment: BS1_Strong

Fulgent Genetics
Classification: Uncertain significance for Hirschsprung disease, susceptibility to, 1; Familial medullary thyroid carcinoma; Multiple endocrine neoplasia type 2B; Pheochromocytoma; Multiple endocrine neoplasia type 2A. Last evaluated: 2024-03-27. Review status: criteria provided, single submitter. Criteria: ACMG Guidelines, 2015. Collection method: clinical testing. Allele origin: germline.

Ambry Genetics
Classification: Uncertain significance for Hereditary cancer-predisposing syndrome. Last evaluated: 2024-02-19. Review status: criteria provided, single submitter. Criteria: Ambry Variant Classification Scheme 2023. Collection method: clinical testing. Allele origin: germline.
Comment: The p.R525G variant (also known as c.1573C>G), located in coding exon 8 of the RET gene, results from a C to G substitution at nucleotide position 1573. The arginine at codon 525 is replaced by glycine, an amino acid with dissimilar properties. This amino acid position is well conserved in available vertebrate species. In addition, the in silico prediction for this alteration is inconclusive. Based on the available evidence, the clinical significance of this alteration remains unclear.

Baylor Genetics
Classification: Uncertain significance for Hirschsprung disease, susceptibility to, 1. Last evaluated: 2023-12-17. Review status: criteria provided, single submitter. Criteria: ACMG Guidelines, 2015. Collection method: clinical testing. Allele origin: unknown.

Mayo Clinic Laboratories, Mayo Clinic
Classification: Uncertain significance. Last evaluated: 2021-04-05. Review status: criteria provided, single submitter. Criteria: ACMG Guidelines, 2015. Collection method: clinical testing. Allele origin: germline.

NM_020975.6(RET):c.1573C>G (p.Arg525Gly)

Gene: RET (ret proto-oncogene; plus strand). Cytogenetic location: 10q11.21.
Variant type: single nucleotide variant.
Coding change: c.1573C>G on transcript NM_020975.6 (MANE Select); coding-DNA position 1573, C replaced by G.
Protein change: p.Arg525Gly; replaces arginine 525 with glycine.
Molecular consequence: missense variant.
Genome position (GRCh38, 1-based): chr10:43,112,149, C>G. VCF-style: chr10-43112149-C-G. GRCh37 (hg19) VCF-style: chr10-43607597-C-G.
Other names: p.Arg525Gly; c.1177C>G, p.Arg393Gly (NM_001406772.1, NM_001406769.1); c.1135C>G, p.Arg379Gly (NM_001406773.1, NM_001406771.1); c.1048C>G, p.Arg350Gly (NM_001406774.1); c.847C>G, p.Arg283Gly (NM_001406775.1, NM_001406776.1, NM_001406777.1 and 1 more transcripts); c.676C>G, p.Arg226Gly (NM_001406779.1, NM_001406780.1, NM_001406781.1 and 3 more transcripts); c.1573C>G, p.Arg525Gly (NM_000323.2, NM_001406743.1, NM_001406744.1 and 6 more transcripts); c.811C>G, p.Arg271Gly (NM_001355216.2); and 6 more; short protein forms R525G, R271G, R183G, R195G, R226G, R283G, R393G, R130G.
Identifiers: ClinVar variation 571739 (VCV000571739.20), dbSNP rs545625150, ClinGen allele CA034454.